The following is an entry in ClinVar:

ClinVar aggregate classification (germline): Uncertain significance. Review status: criteria provided, multiple submitters, no conflicts (2 of 4 stars). 2 submissions from 2 submitters: Uncertain significance (2). Last evaluated 2025-12-01.

Conditions:
Inborn genetic diseases. Identifiers: MedGen C0950123, MeSH D030342.

gnomAD v4.1: 3 of 1,613,736 alleles (0.00019%); highest among the groups gnomAD compares: Admixed American, 0.005%; no homozygotes.

Submissions (2):

CeGaT Center for Human Genetics Tuebingen
Classification: Uncertain significance. Last evaluated: 2025-12-01. Review status: criteria provided, single submitter. Criteria: CeGaT Center For Human Genetics Tuebingen Variant Classification Criteria Version 2. Collection method: clinical testing. Allele origin: germline. Affected: yes. Observed: 1 variant allele.
Comment: STT3A: PP2, PP3

Ambry Genetics
Classification: Uncertain significance for Inborn genetic diseases. Last evaluated: 2025-01-19. Review status: criteria provided, single submitter. Criteria: Ambry Variant Classification Scheme 2023. Collection method: clinical testing. Allele origin: germline.

NM_152713.5(STT3A):c.1846G>A (p.Asp616Asn)

Gene: STT3A (STT3 oligosaccharyltransferase complex catalytic subunit A; plus strand). Cytogenetic location: 11q24.2.
Variant type: single nucleotide variant.
Coding change: c.1846G>A on transcript NM_152713.5 (MANE Select); coding-DNA position 1846, G replaced by A.
Protein change: p.Asp616Asn; replaces aspartic acid 616 with asparagine.
Molecular consequence: missense variant.
Genome position (GRCh38, 1-based): chr11:125,618,444, G>A. VCF-style: chr11-125618444-G-A. GRCh37 (hg19) VCF-style: chr11-125488339-G-A.
Other names: c.1846G>A, p.Asp616Asn (NM_001278503.2); c.1570G>A, p.Asp524Asn (NM_001278504.2); short protein forms D616N, D524N.
Identifiers: ClinVar variation 3802716 (VCV003802716.5).